The following is an entry in ClinVar:

ClinVar aggregate classification (germline): Pathogenic (1 of 4 stars; one submission).

Conditions:
Renal cysts and diabetes syndrome (RCAD). Also called: Familial hypoplastic, glomerulocystic kidney; MATURITY-ONSET DIABETES OF THE YOUNG, TYPE 5. Identifiers: Orphanet 93111, MedGen C0431693, MONDO:0007669, OMIM 137920.

Submission:

Institute of Human Genetics, FAU Erlangen, Friedrich-Alexander-Universität Erlangen-Nürnberg
Classification: Pathogenic for Renal cysts and diabetes syndrome. Last evaluated: 2019-07-06. Review status: criteria provided, single submitter. Criteria: ACMG Guidelines, 2015. Collection method: literature only. Allele origin: germline. Affected: yes.
Comment: This variant and it's classification has been reported by Vasileiou et al. 2019; DOI:10.1101/576918. The variants has previously been reported in PMID:25700310; PMID:16249435 as "c.1046-294_1206+704delins1046-1662_1046-1608inv; c.1046-294_1206_x000B_704del p.Gly349_Met402del" with clinical significance Pathogenic. It has been re-classified using InterVar and manual curation as Pathogenic based on PVS1 PM2 PP3.

Literature cited by the submitters: PubMed 25700310; PubMed 16249435; DOI 10.1101/576918.

NM_000458.4(HNF1B):c.1046-294_1206+704delinsGGTTTAAGGCACTACATTTTTTGGGAAGGACAGAAATCATGAAGTTAAAAGGAGG

Gene: HNF1B (HNF1 homeobox B; minus strand). Cytogenetic location: 17q12.
Variant type: Indel.
Coding change: c.1046-294_1206+704delinsGGTTTAAGGCACTACATTTTTTGGGAAGGACAGAAATCATGAAGTTAAAAGGAGG on transcript NM_000458.4 (MANE Select); 294 bases into the intron before coding-DNA position 1046 through 704 bases into the intron after coding-DNA position 1206, the reference bases replaced by an inserted sequence.
Molecular consequence: splice acceptor variant, splice donor variant.
Genome position (GRCh38, 1-based): chr17:37,709,799-37,710,957, 1,159 bases replaced. GRCh37 (hg19): chr17:36,069,807-36,070,965.
Other names: c.968-294_1128+704delinsGGTTTAAGGCACTACATTTTTTGGGAAGGACAGAAATCATGAAGTTAAAAGGAGG (NM_001304286.2, NM_001165923.4).
Identifiers: ClinVar variation 635597 (VCV000635597.1), ClinGen allele CA913190754.